The following is an entry in ClinVar:

NM_018082.6(POLR3B):c.571G>T (p.Val191Leu)

Gene: POLR3B (RNA polymerase III subunit B; plus strand). Cytogenetic location: 12q23.3.
Variant type: single nucleotide variant.
Coding change: c.571G>T on transcript NM_018082.6 (MANE Select); coding-DNA position 571, G replaced by T.
Protein change: p.Val191Leu; replaces valine 191 with leucine.
Molecular consequence: missense variant.
Genome position (GRCh38, 1-based): chr12:106,378,341, G>T. VCF-style: chr12-106378341-G-T. GRCh37 (hg19) VCF-style: chr12-106772119-G-T.
Other names: c.397G>T, p.Val133Leu (NM_001160708.2); short protein forms V133L, V191L.
Identifiers: ClinVar variation 4742519 (VCV004742519.1).
Genomic context (GRCh38, chr12:106,378,341, plus strand): 5'-GTTAAAGGAGTAGAAAAAGTTATTCTTATCCAAGAGCAGCTGTCTAAGAACAGGATCATC[G>T]TGGAGGCTGATAGAAAAGGGGCTGTTGGAGCTTCAGTTACCAGGTATGGAAAGCAGAGAT-3'
Protein context (NP_060552.4, residues 181-201): QEQLSKNRII[Val191Leu]EADRKGAVGA

ClinVar aggregate classification (germline): Uncertain significance (1 of 4 stars; one submission).

gnomAD v4.1: 1 of 1,613,798 alleles (0.000062%); highest among the groups gnomAD compares: South Asian, 0.0011%; no homozygotes.

Submission:

Labcorp Genetics (formerly Invitae), Labcorp
Classification: Uncertain significance. Last evaluated: 2025-11-18. Review status: criteria provided, single submitter. Criteria: Invitae Variant Classification Sherloc (09022015). Collection method: clinical testing. Allele origin: germline.
Comment: This sequence change replaces valine, which is neutral and non-polar, with leucine, which is neutral and non-polar, at codon 191 of the POLR3B protein (p.Val191Leu). This variant is not present in population databases (gnomAD no frequency). This variant has not been reported in the literature in individuals affected with POLR3B-related conditions. Invitae Evidence Modeling of protein sequence and biophysical properties (such as structural, functional, and spatial information, amino acid conservation, physicochemical variation, residue mobility, and thermodynamic stability) indicates that this missense variant is not expected to disrupt POLR3B protein function with a negative predictive value of 80%. In summary, the available evidence is currently insufficient to determine the role of this variant in disease. Therefore, it has been classified as a Variant of Uncertain Significance.